The following is an entry in ClinVar:

NM_005560.6(LAMA5):c.8389G>A (p.Val2797Met)

Gene: LAMA5 (laminin subunit alpha 5; minus strand). Cytogenetic location: 20q13.33.
Variant type: single nucleotide variant.
Coding change: c.8389G>A on transcript NM_005560.6 (MANE Select); coding-DNA position 8389, G replaced by A.
Protein change: p.Val2797Met; replaces valine 2797 with methionine.
Molecular consequence: missense variant.
Genome position (GRCh38, 1-based): chr20:62,314,419, C>T on the plus strand (G>A on the coding strand, the complement: LAMA5 is on the minus strand). VCF-style: chr20-62314419-C-T. GRCh37 (hg19) VCF-style: chr20-60889475-C-T.
Other names: short protein forms V2797M.
Identifiers: ClinVar variation 2197537 (VCV002197537.4), dbSNP rs200140507, ClinGen allele CA9940725.

ClinVar aggregate classification (germline): Uncertain significance (1 of 4 stars; one submission).

Allele frequency attached by ClinVar (database versions not stated): ESP Exome Variant Server 0.00008; gnomAD 0.00015; TOPMed 0.00017; gnomAD exomes 0.00020; ExAC 0.00027.
gnomAD v4.1: 307 of 1,613,396 alleles (0.019%); highest among the groups gnomAD compares: Non-Finnish European, 0.022%; 2 homozygotes.

Submission:

Labcorp Genetics (formerly Invitae), Labcorp
Classification: Uncertain significance. Last evaluated: 2025-06-20. Review status: criteria provided, single submitter. Criteria: Invitae Variant Classification Sherloc (09022015). Collection method: clinical testing. Allele origin: germline.
Comment: This sequence change replaces valine, which is neutral and non-polar, with methionine, which is neutral and non-polar, at codon 2797 of the LAMA5 protein (p.Val2797Met). This variant is present in population databases (rs200140507, gnomAD 0.08%). This variant has not been reported in the literature in individuals affected with LAMA5-related conditions. ClinVar contains an entry for this variant (Variation ID: 2197537). Invitae Evidence Modeling of protein sequence and biophysical properties (such as structural, functional, and spatial information, amino acid conservation, physicochemical variation, residue mobility, and thermodynamic stability) indicates that this missense variant is not expected to disrupt LAMA5 protein function with a negative predictive value of 80%. In summary, the available evidence is currently insufficient to determine the role of this variant in disease. Therefore, it has been classified as a Variant of Uncertain Significance.